The following is an entry in ClinVar:

NM_007294.4(BRCA1):c.3342_3345del (p.Glu1114_Glu1115insTer)

Genes: BRCA1 (BRCA1 DNA repair associated; minus strand), LOC126862571 (BRD4-independent group 4 enhancer GRCh37_chr17:41243136-41244335; plus strand). Cytogenetic location: 17q21.31.
Variant type: Deletion.
Coding change: c.3342_3345del on transcript NM_007294.4 (MANE Select); coding-DNA positions 3342 to 3345, 4 bases deleted (AGAA; older notation c.3342_3345delAGAA).
Protein change: p.Glu1114_Glu1115insTer.
Molecular consequence: frameshift variant. On other transcripts: nonsense (1), intron variant (137).
Genome position (GRCh38, 1-based): chr17:43,092,186-43,092,189, TTCT deleted on the plus strand (AGAA on the coding strand, the reverse complement: BRCA1 is on the minus strand); deleting any 4 consecutive bases within chr17:43,092,186-43,092,190 gives the same sequence; the c. name uses the placement nearest the transcript's 3' end. VCF-style (leftmost placement, unchanged base first): chr17-43092185-CTTCT-C. GRCh37 (hg19) VCF-style: chr17-41244202-CTTCT-C.
Other names: 3461del4; c.3342_3345delAGAA (NM_007294.3); c.3132_3135del, p.Glu1044_Glu1045insTer (NM_001407910.1, NM_001407879.1, NM_001407881.1 and 13 more transcripts); c.3129_3132del, p.Glu1043_Glu1044insTer (NM_001407915.1, NM_001407916.1, NM_001407917.1 and 9 more transcripts); c.3219_3222del, p.Glu1073_Glu1074insTer (NM_001407919.1, NM_001407937.1, NM_001407938.1 and 19 more transcripts); c.3078_3081del, p.Glu1026_Glu1027insTer (NM_001407920.1, NM_001407921.1, NM_001407922.1 and 9 more transcripts); c.3075_3078del, p.Glu1025_Glu1026insTer (NM_001407930.1, NM_001407931.1, NM_001407932.1 and 2 more transcripts); c.3216_3219del, p.Glu1072_Glu1073insTer (NM_001407940.1, NM_001407941.1, NM_001407649.1 and 11 more transcripts); and 43 more.
Identifiers: ClinVar variation 54850 (VCV000054850.33), dbSNP rs397509058, ClinGen allele CA002164.

ClinVar aggregate classification (germline): Pathogenic. Review status: reviewed by expert panel (3 of 4 stars). 15 submissions from 15 submitters: Pathogenic (1). 14 of the submissions do not count toward it. Last evaluated 2016-09-08.

Conditions:
Breast and/or ovarian cancer. Identifiers: MedGen CN221562.
Hereditary cancer-predisposing syndrome. Also called: Tumor predisposition; Neoplastic Syndromes, Hereditary; Hereditary Cancer Syndrome; Hereditary neoplastic syndrome. Identifiers: Orphanet 140162, MedGen C0027672, MeSH D009386, MONDO:0015356.
Hereditary breast ovarian cancer syndrome. Also called: Hereditary breast and ovarian cancer syndrome (HBOC); Hereditary breast and ovarian cancer syndrome; Hereditary breast and ovarian cancer; Hereditary breast and/or ovarian cancer syndrome; Breast and ovarian cancer; BRCA1- and BRCA2-Associated Hereditary Breast and Ovarian Cancer. Identifiers: Orphanet 145, MedGen C0677776, MeSH D061325, MONDO:0003582. Disease mechanism: loss of function.
Breast-ovarian cancer, familial, susceptibility to, 1 (BROVCA1). Also called: OVARIAN CANCER, SUSCEPTIBILITY TO; BRCA1 Hereditary Breast and Ovarian Cancer. Identifiers: Orphanet 145, MedGen C2676676, MONDO:0011450, OMIM 604370. Disease mechanism: loss of function.

Submissions (15):

Evidence-based Network for the Interpretation of Germline Mutant Alleles (ENIGMA)
Classification: Pathogenic for Breast-ovarian cancer, familial, susceptibility to, 1. Last evaluated: 2016-09-08. Review status: reviewed by expert panel. Criteria: ENIGMA BRCA1/2 Classification Criteria (2015). Collection method: curation. Allele origin: germline.
Comment: Variant allele predicted to encode a truncated non-functional protein.

Labcorp Genetics (formerly Invitae), Labcorp
Classification: Pathogenic for Hereditary breast ovarian cancer syndrome. Last evaluated: 2025-09-09. Review status: criteria provided, single submitter. Criteria: Invitae Variant Classification Sherloc (09022015). Collection method: clinical testing. Allele origin: germline. Not counted in ClinVar's aggregate classification.
Comment: This sequence change creates a premature translational stop signal (p.Glu1115*) in the BRCA1 gene. It is expected to result in an absent or disrupted protein product. Loss-of-function variants in BRCA1 are known to be pathogenic (PMID: 20104584). This variant is not present in population databases (gnomAD no frequency). This premature translational stop signal has been observed in individual(s) with breast and/or ovarian cancer (PMID: 16528604, 19353265, 22970155). This variant is also known as c.3450del4. ClinVar contains an entry for this variant (Variation ID: 54850). For these reasons, this variant has been classified as Pathogenic.

Baylor Genetics
Classification: Pathogenic for Breast-ovarian cancer, familial, susceptibility to, 1. Last evaluated: 2024-03-21. Review status: criteria provided, single submitter. Criteria: ACMG Guidelines, 2015. Collection method: clinical testing. Allele origin: unknown. Not counted in ClinVar's aggregate classification.

Color Diagnostics, LLC DBA Color Health
Classification: Pathogenic for Hereditary cancer-predisposing syndrome. Last evaluated: 2023-03-06. Review status: criteria provided, single submitter. Criteria: ACMG Guidelines, 2015. Collection method: clinical testing. Allele origin: germline. Not counted in ClinVar's aggregate classification.
Comment: This variant deletes 4 nucleotides in exon 10 of the BRCA1 gene, creating a frameshift and premature translation stop signal. This variant is expected to result in an absent or non-functional protein product. This variant has been observed in individuals affected with hereditary breast and ovarian cancer (PMID: 29487695, 30702160). This variant has not been identified in the general population by the Genome Aggregation Database (gnomAD). Loss of BRCA1 function is a known mechanism of disease. Based on the available evidence, this variant is classified as Pathogenic.

Ambry Genetics
Classification: Pathogenic for Hereditary cancer-predisposing syndrome. Last evaluated: 2022-11-08. Review status: criteria provided, single submitter. Criteria: Ambry Variant Classification Scheme 2023. Collection method: clinical testing. Allele origin: germline. Not counted in ClinVar's aggregate classification.
Comment: The c.3342_3345delAGAA pathogenic mutation (also known as p.E1115*), located in coding exon 9 of the BRCA1 gene, results from a deletion of 4 nucleotides at nucleotide positions 3342 to 3345. This changes the amino acid from a glutamic acid to a stop codon within coding exon 9. This mutation has been recognized in individuals of Chinese descent with breast and/or ovarian cancer (Kwong A et al. PLoS ONE. 2012 Sep;7(9); Karami F and Mehdipour P. Biomed. Res. Int. 2013 Nov;2013:928562). In addition to the clinical data presented in the literature, this alteration is expected to result in loss of function by premature protein truncation or nonsense-mediated mRNA decay. As such, this alteration is interpreted as a disease-causing mutation.

CHEO Genetics Diagnostic Laboratory, Children's Hospital of Eastern Ontario
Classification: Pathogenic for Breast and/or ovarian cancer. Last evaluated: 2021-07-21. Review status: criteria provided, single submitter. Criteria: ACMG Guidelines, 2015. Collection method: clinical testing. Allele origin: germline. Not counted in ClinVar's aggregate classification.

Women's Health and Genetics/Laboratory Corporation of America, LabCorp
Classification: Pathogenic for Hereditary breast ovarian cancer syndrome. Last evaluated: 2021-07-19. Review status: criteria provided, single submitter. Criteria: LabCorp Variant Classification Summary - May 2015. Collection method: clinical testing. Allele origin: germline. Not counted in ClinVar's aggregate classification.
Comment: Variant summary: BRCA1 c.3342_3345delAGAA (p.Glu1115X) results in a premature termination codon, predicted to cause a truncation of the encoded protein or absence of the protein due to nonsense mediated decay, which are commonly known mechanisms for disease. Truncations downstream of this position have been classified as pathogenic by our laboratory. The variant was absent in 250250 control chromosomes. c.3342_3345delAGAA has been reported in the literature in individuals affected with Hereditary Breast And Ovarian Cancer Syndrome (example, Rebbeck_2018). These data indicate that the variant is likely to be associated with disease. Multiple clinical diagnostic laboratories, an expert panel (ENIGMA) and a consortium (CIMBA) have submitted clinical-significance assessments for this variant to ClinVar after 2014 without evidence for independent evaluation. All submitters classified the variant as pathogenic. Based on the evidence outlined above, the variant was classified as pathogenic.

Quest Diagnostics Nichols Institute San Juan Capistrano
Classification: Pathogenic. Last evaluated: 2019-07-30. Review status: criteria provided, single submitter. Criteria: Quest Diagnostics criteria. Collection method: clinical testing. Allele origin: germline. Not counted in ClinVar's aggregate classification.
Comment: The variant results in a shift of the reading frame, and is therefore predicted to result in the loss of a functional protein. Found in at least one symptomatic patient, and not found in general population data.

GeneDx
Classification: Pathogenic. Last evaluated: 2017-09-28. Review status: criteria provided, single submitter. Criteria: GeneDx Variant Classification (06012015). Collection method: clinical testing. Allele origin: germline. Affected: yes. Not counted in ClinVar's aggregate classification.
Comment: This deletion of four nucleotides is denoted BRCA1 c.3342_3345delAGAA at the cDNA level and p.Glu1115Ter (E1115X) at the protein level. Using alternate nomenclature, this variant would be defined as BRCA1 3461_3464delAGAA. The normal sequence, with the bases that are deleted in brackets, is ATGA[delAGAA]GTAG. The deletion creates a nonsense variant, which changes a Glutamic Acid to a premature stop codon. This variant is predicted to cause loss of normal protein function through either protein truncation or nonsense-mediated mRNA decay. BRCA1 c.3342_3345delAGAA has been observed in at least two individuals with breast and/or ovarian cancer and has been described as a recurrent variant in southern China (Kwong 2009, Kwong 2012). This variant is considered pathogenic.

Consortium of Investigators of Modifiers of BRCA1/2 (CIMBA), c/o University of Cambridge
Classification: Pathogenic for Breast-ovarian cancer, familial, susceptibility to, 1. Last evaluated: 2015-10-02. Review status: criteria provided, single submitter. Criteria: CIMBA Mutation Classification guidelines May 2016. Collection method: clinical testing. Allele origin: germline. Not counted in ClinVar's aggregate classification.

BRCAlab, Lund University
Classification: Pathogenic for Breast-ovarian cancer, familial, susceptibility to, 1. Last evaluated: 2020-03-02. Review status: no assertion criteria provided. Collection method: clinical testing. Allele origin: germline. Affected: yes. Not counted in ClinVar's aggregate classification.

Counsyl
Classification: Pathogenic for Breast-ovarian cancer, familial, susceptibility to, 1. Last evaluated: 2016-08-02. Review status: no assertion criteria provided. Collection method: clinical testing. Allele origin: unknown. Not counted in ClinVar's aggregate classification.

Research Molecular Genetics Laboratory, Women's College Hospital, University of Toronto
Classification: Pathogenic for Hereditary breast ovarian cancer syndrome. Last evaluated: 2014-01-31. Review status: no assertion criteria provided. Collection method: research. Allele origin: germline. Affected: yes. Study: The Canadian Open Genetics Repository (COGR). Not counted in ClinVar's aggregate classification.

Breast Cancer Information Core (BIC) (BRCA1)
Classification: Uncertain significance for Breast-ovarian cancer, familial 1. Last evaluated: 2013-02-20. Review status: no assertion criteria provided. Collection method: clinical testing. Allele origin: somatic. Affected: yes. Observed: 2 variant alleles. Not counted in ClinVar's aggregate classification.

Sharing Clinical Reports Project (SCRP)
Classification: Pathogenic for Breast-ovarian cancer, familial 1. Last evaluated: 2012-12-17. Review status: no assertion criteria provided. Collection method: clinical testing. Allele origin: germline. Not counted in ClinVar's aggregate classification.

Literature cited by the submitters: PubMed 20104584 (cited by Labcorp Genetics (formerly Invitae), Labcorp); PubMed 16528604 (cited by Labcorp Genetics (formerly Invitae), Labcorp); PubMed 19353265 (cited by 3 submitters); PubMed 22970155 (cited by 4 submitters); PubMed 29487695 (cited by 3 submitters); PubMed 30702160 (cited by Color Diagnostics, LLC DBA Color Health and Quest Diagnostics Nichols Institute San Juan Capistrano); PubMed 24312913 (cited by 3 submitters); PubMed 27157322 (cited by Ambry Genetics); PubMed 24824628 (cited by Women's Health and Genetics/Laboratory Corporation of America, LabCorp); PubMed 29446198 (cited by Women's Health and Genetics/Laboratory Corporation of America, LabCorp and Quest Diagnostics Nichols Institute San Juan Capistrano).